The following is an entry in ClinVar:

ClinVar aggregate classification (germline): Likely pathogenic (1 of 4 stars; one submission).

Submission:

Mayo Clinic Laboratories, Mayo Clinic
Classification: Likely pathogenic. Last evaluated: 2025-06-24. Review status: criteria provided, single submitter. Criteria: ACMG Guidelines, 2015. Collection method: clinical testing. Allele origin: germline. Observed: 1 variant allele.
Comment: PP3_moderate, PM2_supporting, PM5, PS4_supporting

Literature cited by the submitters: PubMed 10942953; PubMed 34708097; PubMed 38155150; PubMed 38886735; PubMed 8883262.

NM_000312.4(PROC):c.373G>C (p.Gly125Arg)

Gene: PROC (protein C, inactivator of coagulation factors Va and VIIIa; plus strand). Cytogenetic location: 2q14.3.
Variant type: single nucleotide variant.
Coding change: c.373G>C on transcript NM_000312.4 (MANE Select); coding-DNA position 373, G replaced by C.
Protein change: p.Gly125Arg; replaces glycine 125 with arginine.
Molecular consequence: missense variant. On other transcripts: synonymous variant (1).
Genome position (GRCh38, 1-based): chr2:127,423,144, G>C. VCF-style: chr2-127423144-G-C. GRCh37 (hg19) VCF-style: chr2-128180720-G-C.
Other names: p.Gly125Arg; c.556G>C, p.Gly186Arg (NM_001375602.1); c.436G>C, p.Gly146Arg (NM_001375603.1, NM_001375604.1); c.373G>C, p.Gly125Arg (NM_001375605.1, NM_001375608.1, NM_001375611.1 and 1 more transcripts); c.528G>C, p.Ala176= (NM_001375606.1); c.457G>C, p.Gly153Arg (NM_001375607.1); c.349G>C, p.Gly117Arg (NM_001375609.1); c.367G>C, p.Gly123Arg (NM_001375610.1); short protein forms G146R, G153R, G123R, G186R, G117R, G125R.
Identifiers: ClinVar variation 4540668 (VCV004540668.1).
Genomic context (GRCh38, chr2:127,423,144, plus strand): 5'-TGCTGCGGGCACGGCACGTGCATCGACGGCATCGGCAGCTTCAGCTGCGACTGCCGCAGC[G>C]GCTGGGAGGGCCGCTTCTGCCAGCGCGGTGAGGGGGAGAGGTGGATGCTGGCGGGCGGCG-3'
Protein context (NP_000303.1, residues 115-135): IGSFSCDCRS[Gly125Arg]WEGRFCQREV